The following is an entry in ClinVar:

ClinVar aggregate classification (germline): Benign/Likely benign. Review status: criteria provided, multiple submitters, no conflicts (2 of 4 stars). 3 submissions from 3 submitters: Benign (1); Likely benign (2). Last evaluated 2025-05-30.

Conditions:
Tuberous sclerosis 2 (TSC2). Identifiers: Orphanet 805, MedGen C1860707, MONDO:0013199, OMIM 613254.
Hereditary cancer-predisposing syndrome. Also called: Neoplastic Syndromes, Hereditary; Hereditary Cancer Syndrome; Tumor predisposition; Hereditary neoplastic syndrome. Identifiers: Orphanet 140162, MedGen C0027672, MeSH D009386, MONDO:0015356.

Submissions (3):

Myriad Genetics, Inc.
Classification: Benign for Tuberous sclerosis 2. Last evaluated: 2025-05-30. Review status: criteria provided, single submitter. Criteria: Myriad Autosomal Dominant, Autosomal Recessive and X-Linked Classification Criteria (2023). Collection method: clinical testing. Allele origin: unknown.
Comment: This variant is considered benign. This variant is a silent/synonymous amino acid change and it is not expected to impact splicing.

Labcorp Genetics (formerly Invitae), Labcorp
Classification: Likely benign for Tuberous sclerosis 2. Last evaluated: 2023-05-05. Review status: criteria provided, single submitter. Criteria: Invitae Variant Classification Sherloc (09022015). Collection method: clinical testing. Allele origin: germline.

Ambry Genetics
Classification: Likely benign for Hereditary cancer-predisposing syndrome. Last evaluated: 2023-03-27. Review status: criteria provided, single submitter. Criteria: Ambry Variant Classification Scheme 2023. Collection method: clinical testing. Allele origin: germline.

NM_000548.5(TSC2):c.3789C>G (p.Pro1263=)

Gene: TSC2 (TSC complex subunit 2; plus strand). Cytogenetic location: 16p13.3.
Variant type: single nucleotide variant.
Coding change: c.3789C>G on transcript NM_000548.5 (MANE Select); coding-DNA position 3789, C replaced by G.
Protein change: p.Pro1263=; no amino-acid change (proline 1263 retained).
Molecular consequence: synonymous variant. On other transcripts: non-coding transcript variant (5).
Genome position (GRCh38, 1-based): chr16:2,081,773, C>G. VCF-style: chr16-2081773-C-G. GRCh37 (hg19) VCF-style: chr16-2131774-C-G.
Other names: c.3678C>G, p.Pro1226= (NM_001406670.1); c.2316C>G, p.Pro772= (NM_001406693.1, NM_001406694.1, NM_001406690.1 and 1 more transcripts); c.2313C>G, p.Pro771= (NM_001406695.1, NM_001406696.1, NM_001406697.1 and 1 more transcripts); c.3657C>G, p.Pro1219= (NM_001077183.3, NM_001370404.1, NM_001406665.1); c.3789C>G, p.Pro1263= (NM_001114382.3); c.3549C>G, p.Pro1183= (NM_001318827.2); c.3513C>G, p.Pro1171= (NM_001318829.2); c.3057C>G, p.Pro1019= (NM_001318831.2, NM_001406687.1, NM_001406688.1); and 18 more.
Identifiers: ClinVar variation 2564617 (VCV002564617.6), dbSNP rs2151484598, ClinGen allele CA493043274.
Genomic context (GRCh38, chr16:2,081,773, plus strand): 5'-GCACCGGGACACAGCCCTGTACAAGTCACTGTCGGTGCCGGCAGCCAGCACGGCCAAACC[C>G]CCTCCTCTGCCTCGCTCCAACACAGGTGAGTGGCATGGCGGGCCTTGGCACGGGCTCTGC-3'
Protein context (NP_000539.2, residues 1253-1273): LSVPAASTAK[Pro1263=]PPLPRSNTVA